The following is an entry in ClinVar:

ClinVar aggregate classification (germline): Uncertain significance (1 of 4 stars; one submission).

Conditions:
Fanconi anemia complementation group J. Also called: BRIP1-Related Fanconi Anemia. Identifiers: Orphanet 84, MedGen C1836860, MONDO:0012187, OMIM 609054.
Familial cancer of breast. Also called: Hereditary breast cancer; hereditary breast carcinoma; BREAST CANCER, FAMILIAL. Identifiers: Orphanet 227535, MedGen C0346153, MONDO:0016419, OMIM 114480. Disease mechanism: loss of function.

Submission:

Labcorp Genetics (formerly Invitae), Labcorp
Classification: Uncertain significance for Familial cancer of breast; Fanconi anemia complementation group J. Last evaluated: 2025-12-13. Review status: criteria provided, single submitter. Criteria: Invitae Variant Classification Sherloc (09022015). Collection method: clinical testing. Allele origin: germline.
Comment: This sequence change replaces serine, which is neutral and polar, with proline, which is neutral and non-polar, at codon 565 of the BRIP1 protein (p.Ser565Pro). This variant is not present in population databases (gnomAD no frequency). This variant has not been reported in the literature in individuals affected with BRIP1-related conditions. Invitae Evidence Modeling of protein sequence and biophysical properties (such as structural, functional, and spatial information, amino acid conservation, physicochemical variation, residue mobility, and thermodynamic stability) indicates that this missense variant is not expected to disrupt BRIP1 protein function with a negative predictive value of 95%. In summary, the available evidence is currently insufficient to determine the role of this variant in disease. Therefore, it has been classified as a Variant of Uncertain Significance.

NM_032043.3(BRIP1):c.1693T>C (p.Ser565Pro)

Gene: BRIP1 (BRCA1 interacting DNA helicase 1; minus strand). Cytogenetic location: 17q23.2.
Variant type: single nucleotide variant.
Coding change: c.1693T>C on transcript NM_032043.3 (MANE Select); coding-DNA position 1693, T replaced by C.
Protein change: p.Ser565Pro; replaces serine 565 with proline.
Molecular consequence: missense variant.
Genome position (GRCh38, 1-based): chr17:61,780,941, A>G on the plus strand (T>C on the coding strand, the complement: BRIP1 is on the minus strand). VCF-style: chr17-61780941-A-G. GRCh37 (hg19) VCF-style: chr17-59858302-A-G.
Other names: short protein forms S565P.
Identifiers: ClinVar variation 4783582 (VCV004783582.1).
Genomic context (GRCh38, chr17:61,780,941, plus strand): 5'-CAGTTTTCTGTCGTGAACGTTTCTTATTTTTTGGTAGAACCAACAACCCATTTTTGTCTG[A>G]AATATCAATCTGATTTGTCCAGGAGTAAGTCTGTTGAATCGCAATTTTATAATCATCTGC-3'
Protein context (NP_114432.2, residues 555-575): TYSWTNQIDI[Ser565Pro]DKNGLLVLPK